The following is an entry in ClinVar:

NM_015030.2(FRYL):c.904G>T (p.Glu302Ter)

Gene: FRYL (FRY like transcription coactivator; minus strand). Cytogenetic location: 4p11.
Variant type: single nucleotide variant.
Coding change: c.904G>T on transcript NM_015030.2 (MANE Select); coding-DNA position 904, G replaced by T.
Protein change: p.Glu302Ter; replaces glutamic acid 302 with a stop codon.
Molecular consequence: nonsense.
Genome position (GRCh38, 1-based): chr4:48,603,319, C>A on the plus strand (G>T on the coding strand, the complement: FRYL is on the minus strand). VCF-style: chr4-48603319-C-A. GRCh37 (hg19) VCF-style: chr4-48605336-C-A.
Other names: short protein forms E302*.
Identifiers: ClinVar variation 4975993 (VCV004975993.1).
Genomic context (GRCh38, chr4:48,603,319, plus strand): 5'-ATATGAAAAGGTTTGAAATGTTTCTTAATACCAATGAATGCTTCTTTCTCGAGCTCAGTT[C>A]AAAAGTAGTCTGATAAAGCATCTCCACAAAATTTTTCAAACAGGGAACATTCACTTCATT-3'

ClinVar aggregate classification (germline): Pathogenic (1 of 4 stars; one submission).

Submission:

GeneDx
Classification: Pathogenic. Last evaluated: 2026-02-04. Review status: criteria provided, single submitter. Criteria: GeneDx Variant Classification Process June 2021. Collection method: clinical testing. Allele origin: germline.
Comment: Nonsense variant predicted to result in protein truncation or nonsense mediated decay in a gene for which loss of function is a known mechanism of disease; Not observed at significant frequency in large population cohorts (gnomAD); Has not been previously published as pathogenic or benign to our knowledge